The following is an entry in ClinVar:

ClinVar aggregate classification (germline): Likely pathogenic (1 of 4 stars; one submission).

Conditions:
MAMLD1-related disorder. Also called: MAMLD1-related condition.

Submission:

PreventionGenetics, part of Exact Sciences
Classification: Likely pathogenic for MAMLD1-related condition. Last evaluated: 2025-12-22. Review status: criteria provided, single submitter. Criteria: ACMG Guidelines, 2015. Collection method: clinical testing. Allele origin: germline.
Comment: The MAMLD1 c.1807C>T variant is predicted to result in premature protein termination (p.Gln603*). To our knowledge, this variant has not been reported in the literature or in a large population database (gnomAD), indicating this variant is rare. Nonsense variants in MAMLD1 are expected to be pathogenic. This variant is interpreted as likely pathogenic.

NM_005491.5(MAMLD1):c.1807C>T (p.Gln603Ter)

Gene: MAMLD1 (mastermind like domain containing 1; plus strand). Cytogenetic location: Xq28.
Variant type: single nucleotide variant.
Coding change: c.1807C>T on transcript NM_005491.5 (MANE Select); coding-DNA position 1807, C replaced by T.
Protein change: p.Gln603Ter; replaces glutamine 603 with a stop codon.
Molecular consequence: nonsense.
Genome position (GRCh38, 1-based): chrX:150,471,380, C>T. VCF-style: chrX-150471380-C-T. GRCh37 (hg19) VCF-style: chrX-149639652-C-T.
Other names: c.1732C>T, p.Gln578Ter (NM_001177465.3, NM_001177466.3, NM_001400514.1); c.1807C>T, p.Gln603Ter (NM_001400512.1, NM_001400513.1, NM_001400515.1); short protein forms Q603*, Q578*.
Identifiers: ClinVar variation 4991700 (VCV004991700.1).
Genomic context (GRCh38, chrX:150,471,380, plus strand): 5'-TCAGCCACTGCCTCCTCCACGGCCACTGCCACCTTGCAGCTGCAGCAGCAGCAGCAGCAA[C>T]AGCAGCAGCAGCCTGACCATTCTTCATTCCTTCTGCAGCAGATGATGCAGCAACCCCAGC-3'